The following is an entry in ClinVar:

ClinVar aggregate classification (germline): Uncertain significance (1 of 4 stars; one submission).

Allele frequency attached by ClinVar (database versions not stated): gnomAD 0.00001; gnomAD exomes below 0.00001.
gnomAD v4.1: 4 of 1,614,052 alleles (0.00025%); highest among the groups gnomAD compares: Non-Finnish European, 0.00034%; no homozygotes.

Submission:

Labcorp Genetics (formerly Invitae), Labcorp
Classification: Uncertain significance. Last evaluated: 2023-12-21. Review status: criteria provided, single submitter. Criteria: Invitae Variant Classification Sherloc (09022015). Collection method: clinical testing. Allele origin: germline.
Comment: This sequence change replaces asparagine, which is neutral and polar, with serine, which is neutral and polar, at codon 733 of the TFRC protein (p.Asn733Ser). This variant is not present in population databases (gnomAD no frequency). This variant has not been reported in the literature in individuals affected with TFRC-related conditions. Advanced modeling of protein sequence and biophysical properties (such as structural, functional, and spatial information, amino acid conservation, physicochemical variation, residue mobility, and thermodynamic stability) performed at Invitae indicates that this missense variant is not expected to disrupt TFRC protein function with a negative predictive value of 80%. In summary, the available evidence is currently insufficient to determine the role of this variant in disease. Therefore, it has been classified as a Variant of Uncertain Significance.

NM_001128148.3(TFRC):c.2198A>G (p.Asn733Ser)

Gene: TFRC (transferrin receptor; minus strand). Cytogenetic location: 3q29.
Variant type: single nucleotide variant.
Coding change: c.2198A>G on transcript NM_001128148.3 (MANE Select); coding-DNA position 2198, A replaced by G.
Protein change: p.Asn733Ser; replaces asparagine 733 with serine.
Molecular consequence: missense variant.
Genome position (GRCh38, 1-based): chr3:196,052,027, T>C on the plus strand (A>G on the coding strand, the complement: TFRC is on the minus strand). VCF-style: chr3-196052027-T-C. GRCh37 (hg19) VCF-style: chr3-195778898-T-C.
Other names: c.1955A>G, p.Asn652Ser (NM_001313965.2); c.1352A>G, p.Asn451Ser (NM_001313966.2); c.2198A>G, p.Asn733Ser (NM_003234.4); short protein forms N451S, N652S, N733S.
Identifiers: ClinVar variation 2778905 (VCV002778905.3), dbSNP rs1358583994, ClinGen allele CA355557883.